The following is an entry in ClinVar:

ClinVar aggregate classification (germline): Uncertain significance (1 of 4 stars; one submission).

Conditions:
Inborn genetic diseases. Identifiers: MedGen C0950123, MeSH D030342.

Submission:

Ambry Genetics
Classification: Uncertain significance for Inborn genetic diseases. Last evaluated: 2025-01-06. Review status: criteria provided, single submitter. Criteria: Ambry Variant Classification Scheme 2023. Collection method: clinical testing. Allele origin: germline.
Comment: The p.A291S variant (also known as c.871G>T), located in coding exon 5 of the RECQL4 gene, results from a G to T substitution at nucleotide position 871. The alanine at codon 291 is replaced by serine, an amino acid with similar properties. This amino acid position is conserved. In addition, this alteration is predicted to be tolerated by in silico analysis. Based on the available evidence, the clinical significance of this variant remains unclear.

NM_004260.4(RECQL4):c.871G>T (p.Ala291Ser)

Gene: RECQL4 (RecQ like helicase 4; minus strand). Cytogenetic location: 8q24.3.
Variant type: single nucleotide variant.
Coding change: c.871G>T on transcript NM_004260.4 (MANE Select); coding-DNA position 871, G replaced by T.
Protein change: p.Ala291Ser; replaces alanine 291 with serine.
Molecular consequence: missense variant. On other transcripts: 5 prime UTR variant (17), non-coding transcript variant (3).
Genome position (GRCh38, 1-based): chr8:144,516,248, C>A on the plus strand (G>T on the coding strand, the complement: RECQL4 is on the minus strand). VCF-style: chr8-144516248-C-A. GRCh37 (hg19) VCF-style: chr8-145741632-C-A.
Other names: c.871G>T, p.Ala291Ser (NM_001413017.1, NM_001413018.1, NM_001413019.1 and 4 more transcripts); c.-201G>T (NM_001413021.1, NM_001413022.1, NM_001413023.1 and 7 more transcripts); c.742G>T, p.Ala248Ser (NM_001413025.1); c.-263G>T (NM_001413027.1, NM_001413030.1, NM_001413031.1 and 2 more transcripts); c.520G>T, p.Ala174Ser (NM_001413029.1); c.-105G>T (NM_001413034.1); c.-470G>T (NM_001413043.1); short protein forms A174S, A291S, A248S.
Identifiers: ClinVar variation 3787985 (VCV003787985.1).